The following is an entry in ClinVar:

ClinVar aggregate classification (germline): Likely benign (1 of 4 stars; one submission).

Submission:

CeGaT Center for Human Genetics Tuebingen
Classification: Likely benign. Last evaluated: 2025-11-01. Review status: criteria provided, single submitter. Criteria: CeGaT Center For Human Genetics Tuebingen Variant Classification Criteria Version 2. Collection method: clinical testing. Allele origin: germline. Affected: yes. Observed: 1 variant allele.
Comment: KMT2D: PM2:Supporting, BP4, BP7

NM_003482.4(KMT2D):c.11814G>A (p.Gln3938=)

Gene: KMT2D (lysine methyltransferase 2D; minus strand). Cytogenetic location: 12q13.12.
Variant type: single nucleotide variant.
Coding change: c.11814G>A on transcript NM_003482.4 (MANE Select); coding-DNA position 11814, G replaced by A.
Protein change: p.Gln3938=; no amino-acid change (glutamine 3938 retained).
Molecular consequence: synonymous variant.
Genome position (GRCh38, 1-based): chr12:49,032,891, C>T on the plus strand (G>A on the coding strand, the complement: KMT2D is on the minus strand). VCF-style: chr12-49032891-C-T. GRCh37 (hg19) VCF-style: chr12-49426674-C-T.
Identifiers: ClinVar variation 4533512 (VCV004533512.6).